The following is an entry in ClinVar:

NM_000342.4(SLC4A1):c.2171T>G (p.Leu724Arg)

Gene: SLC4A1 (solute carrier family 4 member 1 (Diego blood group); minus strand). Cytogenetic location: 17q21.31.
Variant type: single nucleotide variant.
Coding change: c.2171T>G on transcript NM_000342.4 (MANE Select); coding-DNA position 2171, T replaced by G.
Protein change: p.Leu724Arg; replaces leucine 724 with arginine.
Molecular consequence: missense variant.
Genome position (GRCh38, 1-based): chr17:44,253,258, A>C on the plus strand (T>G on the coding strand, the complement: SLC4A1 is on the minus strand). VCF-style: chr17-44253258-A-C. GRCh37 (hg19) VCF-style: chr17-42330626-A-C.
Other names: short protein forms L724R.
Identifiers: ClinVar variation 4080098 (VCV004080098.2).

ClinVar aggregate classification (germline): Uncertain significance. Review status: criteria provided, multiple submitters, no conflicts (2 of 4 stars). 2 submissions from 2 submitters: Uncertain significance (2). Last evaluated 2025-01-15.

Submissions (2):

ARUP Laboratories, Molecular Genetics and Genomics, ARUP Laboratories
Classification: Uncertain significance. Last evaluated: 2025-01-15. Review status: criteria provided, single submitter. Criteria: ARUP Molecular Germline Variant Investigation Process 2024. Collection method: clinical testing. Allele origin: germline.
Comment: The SLC4A1 c.2171T>G; p.Leu724Arg variant, to our knowledge, is not reported in the medical literature or gene specific databases. This variant is also absent from the Genome Aggregation Database (v2.1.1), indicating it is not a common polymorphism. Computational analyses predict that this variant is deleterious (REVEL: 0.911). However, given the lack of clinical and functional data, the significance of this variant is uncertain at this time.

Revvity Omics, Revvity
Classification: Uncertain significance. Last evaluated: 2024-02-05. Review status: criteria provided, single submitter. Criteria: ACMG Guidelines, 2015. Collection method: clinical testing. Allele origin: germline.